The following is an entry in ClinVar:

ClinVar aggregate classification (germline): Uncertain significance (1 of 4 stars; one submission).

Submission:

Labcorp Genetics (formerly Invitae), Labcorp
Classification: Uncertain significance. Last evaluated: 2022-05-12. Review status: criteria provided, single submitter. Criteria: Invitae Variant Classification Sherloc (09022015). Collection method: clinical testing. Allele origin: germline.
Comment: This variant results in a copy number gain of the genomic region encompassing exon(s) 3 of the LCT gene. While the exact position of this variant cannot be determined from the data, sub-genic copy number gains are generally in tandem (PMID: 25640679). This variant is predicted to be in-frame, and likely preserves the integrity of the reading frame. This variant has not been reported in the literature in individuals affected with LCT-related conditions. Experimental studies and prediction algorithms are not available or were not evaluated, and the functional significance of this variant is currently unknown. In summary, the available evidence is currently insufficient to determine the role of this variant in disease. Therefore, it has been classified as a Variant of Uncertain Significance.

Literature cited by the submitters: PubMed 25640679.

NC_000002.11:g.(?_136587143)_(136587266_?)dup

Gene: LCT (lactase; minus strand). Cytogenetic location: 2q21.3.
Variant type: Duplication.
Identifiers: ClinVar variation 2424396 (VCV002424396.4).